The following is an entry in ClinVar:

ClinVar aggregate classification (germline): Uncertain significance (1 of 4 stars; one submission).

Allele frequency attached by ClinVar (database versions not stated): gnomAD exomes below 0.00001; TOPMed 0.00002; gnomAD 0.00003.
gnomAD v4.1: 9 of 1,613,784 alleles (0.00056%); highest among the groups gnomAD compares: African/African-American, 0.012%; no homozygotes.

Submission:

Labcorp Genetics (formerly Invitae), Labcorp
Classification: Uncertain significance. Last evaluated: 2022-07-12. Review status: criteria provided, single submitter. Criteria: Invitae Variant Classification Sherloc (09022015). Collection method: clinical testing. Allele origin: germline.
Comment: This sequence change replaces isoleucine, which is neutral and non-polar, with methionine, which is neutral and non-polar, at codon 1514 of the LRP2 protein (p.Ile1514Met). This variant is present in population databases (no rsID available, gnomAD 0.01%). This variant has not been reported in the literature in individuals affected with LRP2-related conditions. Algorithms developed to predict the effect of missense changes on protein structure and function (SIFT, PolyPhen-2, Align-GVGD) all suggest that this variant is likely to be tolerated. In summary, the available evidence is currently insufficient to determine the role of this variant in disease. Therefore, it has been classified as a Variant of Uncertain Significance.

NM_004525.3(LRP2):c.4542T>G (p.Ile1514Met)

Gene: LRP2 (LDL receptor related protein 2; minus strand). Cytogenetic location: 2q31.1.
Variant type: single nucleotide variant.
Coding change: c.4542T>G on transcript NM_004525.3 (MANE Select); coding-DNA position 4542, T replaced by G.
Protein change: p.Ile1514Met; replaces isoleucine 1514 with methionine.
Molecular consequence: missense variant.
Genome position (GRCh38, 1-based): chr2:169,237,252, A>C on the plus strand (T>G on the coding strand, the complement: LRP2 is on the minus strand). VCF-style: chr2-169237252-A-C. GRCh37 (hg19) VCF-style: chr2-170093762-A-C.
Other names: short protein forms I1514M.
Identifiers: ClinVar variation 1968409 (VCV001968409.2), dbSNP rs1290209806, ClinGen allele CA349143602.